The following is an entry in ClinVar:

ClinVar aggregate classification (germline): Uncertain significance. Review status: criteria provided, multiple submitters, no conflicts (2 of 4 stars). 3 submissions from 3 submitters: Uncertain significance (3). Last evaluated 2025-06-30.

Conditions:
Cardiovascular phenotype. Identifiers: MedGen CN230736.

Allele frequency attached by ClinVar (database versions not stated): gnomAD exomes 0.00003 and 0.00005; TOPMed 0.00003; ExAC 0.00004; gnomAD 0.00004; ESP Exome Variant Server 0.00013.
gnomAD v4.1: 55 of 1,612,702 alleles (0.0034%); highest among the groups gnomAD compares: Middle Eastern, 0.016%; no homozygotes.

Submissions (3):

Women's Health and Genetics/Laboratory Corporation of America, LabCorp
Classification: Uncertain significance. Last evaluated: 2025-06-30. Review status: criteria provided, single submitter. Criteria: LabCorp Variant Classification Summary - May 2015. Collection method: clinical testing. Allele origin: germline.
Comment: Variant summary: TNXB c.6730G>A (p.Glu2244Lys) results in a conservative amino acid change in the encoded protein sequence. Algorithms developed to predict the effect of missense changes on protein structure and function all suggest that this variant is likely to be tolerated. The variant allele was found at a frequency of 4.9e-05 in 244474 control chromosomes. This frequency is not significantly higher than estimated for a pathogenic variant in TNXB causing Ehlers-Danlos syndrome due to tenascin-X deficiency (4.9e-05 vs 0.0011), allowing no conclusion about variant significance. To our knowledge, no occurrence of c.6730G>A in individuals affected with Ehlers-Danlos syndrome due to tenascin-X deficiency and no experimental evidence demonstrating its impact on protein function have been reported. ClinVar contains an entry for this variant (Variation ID: 1306485). Based on the evidence outlined above, the variant was classified as uncertain significance.

Ambry Genetics
Classification: Uncertain significance for Cardiovascular phenotype. Last evaluated: 2024-10-09. Review status: criteria provided, single submitter. Criteria: Ambry Variant Classification Scheme 2023. Collection method: clinical testing. Allele origin: germline.

GeneDx
Classification: Uncertain significance. Last evaluated: 2022-04-20. Review status: criteria provided, single submitter. Criteria: GeneDx Variant Classification Process June 2021. Collection method: clinical testing. Allele origin: germline. Affected: yes.
Comment: Has not been previously published as pathogenic or benign to our knowledge; In silico analysis supports that this missense variant does not alter protein structure/function

NM_001365276.2(TNXB):c.6730G>A (p.Glu2244Lys)

Gene: TNXB (tenascin XB; minus strand). Cytogenetic location: 6p21.33.
Variant type: single nucleotide variant.
Coding change: c.6730G>A on transcript NM_001365276.2 (MANE Select); coding-DNA position 6730, G replaced by A.
Protein change: p.Glu2244Lys; replaces glutamic acid 2244 with lysine.
Molecular consequence: missense variant.
Genome position (GRCh38, 1-based): chr6:32,064,932, C>T on the plus strand (G>A on the coding strand, the complement: TNXB is on the minus strand). VCF-style: chr6-32064932-C-T. GRCh37 (hg19) VCF-style: chr6-32032709-C-T.
Other names: c.6730G>A, p.Glu2244Lys (NM_019105.8); short protein forms E2244K.
Identifiers: ClinVar variation 1306485 (VCV001306485.7), dbSNP rs377071098, ClinGen allele CA3734345.
Genomic context (GRCh38, chr6:32,064,932, plus strand): 5'-CGTACAGGTTCATCTTGTACTTGTGGTCTGGCTCCAGGCCCGAGATGGTGACCCCATCCT[C>T]GTGTCCCGGCACCCGCACCGCCTTGGGCTGCCCGTCCCCATTCTTAAACTGGACCAAGAA-3'
Protein context (NP_001352205.1, residues 2234-2254): QPKAVRVPGH[Glu2244Lys]DGVTISGLEP